The following is an entry in ClinVar:

NM_000089.4(COL1A2):c.2815G>A (p.Asp939Asn)

Gene: COL1A2 (collagen type I alpha 2 chain; plus strand). Cytogenetic location: 7q21.3.
Variant type: single nucleotide variant.
Coding change: c.2815G>A on transcript NM_000089.4 (MANE Select); coding-DNA position 2815, G replaced by A.
Protein change: p.Asp939Asn; replaces aspartic acid 939 with asparagine.
Molecular consequence: missense variant.
Genome position (GRCh38, 1-based): chr7:94,425,643, G>A. VCF-style: chr7-94425643-G-A. GRCh37 (hg19) VCF-style: chr7-94054955-G-A.
Other names: short protein forms D939N.
Identifiers: ClinVar variation 916285 (VCV000916285.50), dbSNP rs776169837, ClinGen allele CA4347570.

ClinVar aggregate classification (germline): Uncertain significance. Review status: criteria provided, multiple submitters, no conflicts (2 of 4 stars). 5 submissions from 5 submitters: Uncertain significance (5). Last evaluated 2026-01-19.

Conditions:
Cardiovascular phenotype. Identifiers: MedGen CN230736.
Osteogenesis imperfecta type I (OI1). Also called: OI, TYPE I; OSTEOGENESIS IMPERFECTA TARDA; OSTEOGENESIS IMPERFECTA WITH BLUE SCLERAE; Osteogenesis imperfecta type 1; Lobstein's Disease; Lobstein disease. Identifiers: Orphanet 216796, Orphanet 666, MedGen C0023931, MONDO:0008146, OMIM 166200. Disease mechanism: loss of function.
Ehlers-Danlos syndrome, classic type, 1 (EDSCL1). Also called: Ehlers-Danlos syndrome, type 1; Ehlers-Danlos Syndrome, Classic Type, COL5A1-Related; EDS I; EHLERS-DANLOS SYNDROME, GRAVIS TYPE; EHLERS-DANLOS SYNDROME, SEVERE CLASSIC TYPE. Identifiers: MedGen C0268335, MONDO:0019567, OMIM 130000.
Osteogenesis imperfecta type III (OI3). Also called: Osteogenesis imperfecta type 3; OI type 3; Osteogenesis imperfecta, progressively deforming with normal sclerae; OI type III; Progressively Deforming Osteogenesis Imperfecta. Identifiers: Orphanet 216812, Orphanet 666, MedGen C0268362, MONDO:0009804, OMIM 259420.

Allele frequency attached by ClinVar (database versions not stated): gnomAD 0.00001.
gnomAD v4.1: 35 of 1,614,012 alleles (0.0022%); highest among the groups gnomAD compares: South Asian, 0.0033%; no homozygotes.

Submissions (5):

GeneDx
Classification: Uncertain significance. Last evaluated: 2026-01-19. Review status: criteria provided, single submitter. Criteria: GeneDx Variant Classification Process June 2021. Collection method: clinical testing. Allele origin: germline. Affected: yes.
Comment: Not observed at a significant frequency in large population cohorts (gnomAD); In silico analysis supports that this missense variant has a deleterious effect on protein structure/function; Has not been previously published as pathogenic or benign to our knowledge; Occurs in the triple helical domain at the Y position in the canonical Gly-X-Y repeat; although this variant may have an effect on normal protein folding and function, missense substitution at the Y position is not a common mechanism of disease (HGMD)

Labcorp Genetics (formerly Invitae), Labcorp
Classification: Uncertain significance for Osteogenesis imperfecta type I; Ehlers-Danlos syndrome, classic type, 1. Last evaluated: 2025-01-27. Review status: criteria provided, single submitter. Criteria: Invitae Variant Classification Sherloc (09022015). Collection method: clinical testing. Allele origin: germline.
Comment: This sequence change replaces aspartic acid, which is acidic and polar, with asparagine, which is neutral and polar, at codon 939 of the COL1A2 protein (p.Asp939Asn). This variant is present in population databases (rs776169837, gnomAD 0.003%). This variant has not been reported in the literature in individuals affected with COL1A2-related conditions. ClinVar contains an entry for this variant (Variation ID: 916285). Invitae Evidence Modeling of protein sequence and biophysical properties (such as structural, functional, and spatial information, amino acid conservation, physicochemical variation, residue mobility, and thermodynamic stability) indicates that this missense variant is not expected to disrupt COL1A2 protein function with a negative predictive value of 95%. In summary, the available evidence is currently insufficient to determine the role of this variant in disease. Therefore, it has been classified as a Variant of Uncertain Significance.

Ambry Genetics
Classification: Uncertain significance for Cardiovascular phenotype. Last evaluated: 2024-07-16. Review status: criteria provided, single submitter. Criteria: Ambry Variant Classification Scheme 2023. Collection method: clinical testing. Allele origin: germline.
Comment: The p.D939N variant (also known as c.2815G>A), located in coding exon 43 of the COL1A2 gene, results from a G to A substitution at nucleotide position 2815. The aspartic acid at codon 939 is replaced by asparagine, an amino acid with highly similar properties. This amino acid position is well conserved in available vertebrate species. In addition, the in silico prediction for this alteration is inconclusive. Based on the available evidence, the clinical significance of this variant remains unclear.

CeGaT Center for Human Genetics Tuebingen
Classification: Uncertain significance. Last evaluated: 2020-02-01. Review status: criteria provided, single submitter. Criteria: CeGaT Center For Human Genetics Tuebingen Variant Classification Criteria Version 2. Collection method: clinical testing. Allele origin: germline. Affected: yes. Observed: 1 variant allele.

Baylor Genetics
Classification: Uncertain significance for Osteogenesis imperfecta type III. Last evaluated: 2019-12-30. Review status: criteria provided, single submitter. Criteria: ACMG Guidelines, 2015. Collection method: clinical testing. Allele origin: unknown. Affected: yes.
Comment: This variant was determined to be of uncertain significance according to ACMG Guidelines, 2015 [PMID:25741868].